The following is an entry in ClinVar:

ClinVar aggregate classification (germline): Pathogenic (1 of 4 stars; one submission).

Allele frequency attached by ClinVar (database versions not stated): ExAC 0.00003; gnomAD 0.00003; TOPMed 0.00003; ESP Exome Variant Server 0.00008.
gnomAD v4.1: 26 of 1,613,742 alleles (0.0016%); highest among the groups gnomAD compares: South Asian, 0.0044%; no homozygotes.

Submission:

Labcorp Genetics (formerly Invitae), Labcorp
Classification: Pathogenic. Last evaluated: 2024-02-09. Review status: criteria provided, single submitter. Criteria: Invitae Variant Classification Sherloc (09022015). Collection method: clinical testing. Allele origin: germline.
Comment: This sequence change creates a premature translational stop signal (p.Arg3238*) in the PCNT gene. It is expected to result in an absent or disrupted protein product. Loss-of-function variants in PCNT are known to be pathogenic (PMID: 18174396, 22821869). This variant is present in population databases (rs375303389, gnomAD 0.004%). This variant has not been reported in the literature in individuals affected with PCNT-related conditions. For these reasons, this variant has been classified as Pathogenic.

Literature cited by the submitters: PubMed 18174396; PubMed 22821869.

NM_006031.6(PCNT):c.9712C>T (p.Arg3238Ter)

Gene: PCNT (pericentrin; plus strand). Cytogenetic location: 21q22.3.
Variant type: single nucleotide variant.
Coding change: c.9712C>T on transcript NM_006031.6 (MANE Select); coding-DNA position 9712, C replaced by T.
Protein change: p.Arg3238Ter; replaces arginine 3238 with a stop codon.
Molecular consequence: nonsense.
Genome position (GRCh38, 1-based): chr21:46,443,821, C>T. VCF-style: chr21-46443821-C-T. GRCh37 (hg19) VCF-style: chr21-47863734-C-T.
Other names: c.9121C>T, p.Arg3041Ter (NM_001315529.2); short protein forms R3238*, R3041*.
Identifiers: ClinVar variation 2895677 (VCV002895677.3), dbSNP rs375303389, ClinGen allele CA10081447.
Genomic context (GRCh38, chr21:46,443,821, plus strand): 5'-CATTCATTTATTTTCCTAATCCCTTGGTTGTTAAATAATTCTGGGGAAGGGCCCCGAGCA[C>T]GACAGCCGCAGTCTCCACCCAGAACCAGAGAGTCCCCCCCAACCCGGGATGTACCCTCTG-3'